The following is an entry in ClinVar:

NM_000642.3(AGL):c.3301A>G (p.Arg1101Gly)

Gene: AGL (amylo-alpha-1,6-glucosidase and 4-alpha-glucanotransferase; plus strand). Cytogenetic location: 1p21.2.
Variant type: single nucleotide variant.
Coding change: c.3301A>G on transcript NM_000642.3 (MANE Select); coding-DNA position 3301, A replaced by G.
Protein change: p.Arg1101Gly; replaces arginine 1101 with glycine.
Molecular consequence: missense variant.
Genome position (GRCh38, 1-based): chr1:99,896,327, A>G. VCF-style: chr1-99896327-A-G. GRCh37 (hg19) VCF-style: chr1-100361883-A-G.
Other names: c.3301A>G, p.Arg1101Gly (NM_000028.3, NM_000643.3, NM_000644.3 and 1 more transcripts); c.3253A>G, p.Arg1085Gly (NM_000646.3); c.3280A>G, p.Arg1094Gly (NM_001425326.1); c.3100A>G, p.Arg1034Gly (NM_001425327.1); c.3097A>G, p.Arg1033Gly (NM_001425328.1); c.2962A>G, p.Arg988Gly (NM_001425329.1); c.2923A>G, p.Arg975Gly (NM_001425332.1); short protein forms R1033G, R1034G, R1085G, R1094G, R1101G, R975G, R988G.
Identifiers: ClinVar variation 4280080 (VCV004280080.1).

ClinVar aggregate classification (germline): Uncertain significance (1 of 4 stars; one submission).

Conditions:
Glycogen storage disease type III (GSD3). Also called: FORBES DISEASE; Cori disease. Identifiers: Orphanet 366, MedGen C0017922, MONDO:0009291, OMIM 232400.

gnomAD v4.1: 1 of 1,614,014 alleles (0.000062%); highest among the groups gnomAD compares: Non-Finnish European, 0.000085%; no homozygotes.

Submission:

Johns Hopkins Genomics, Johns Hopkins University
Classification: Uncertain significance for Glycogen storage disease type III. Last evaluated: 2025-04-28. Review status: criteria provided, single submitter. Criteria: ACMG Guidelines, 2015. Collection method: clinical testing. Allele origin: germline.
Comment: This AGL variant is rare (<0.1%) in a large population dataset (gnomADv4.1.0: 1/1614014 total alleles; 0.00006%; no homozygotes) and has not been reported in ClinVar nor the literature, to our knowledge. Three bioinformatic tools queried predict that this substitution would be damaging (SIFT:0; PolyPhen2 HumVar:0.994; REVEL:0.908), and the arginine residue at this position is strongly conserved across the vertebrate species assessed. Bioinformatic analysis predicts that this missense change would not affect normal exon 25 splicing, although this has not been confirmed experimentally to our knowledge. We consider the clinical significance of c.3301A>G to be uncertain at this time.

Literature cited by the submitters: PubMed 20301788; PubMed 35834487.